The following is an entry in ClinVar:

NM_000037.4(ANK1):c.4414C>T (p.Gln1472Ter)

Genes: ANK1 (ankyrin 1; minus strand), LOC126860368 (BRD4-independent group 4 enhancer GRCh37_chr8:41541049-41542248; plus strand). Cytogenetic location: 8p11.21.
Variant type: single nucleotide variant.
Coding change: c.4414C>T on transcript NM_000037.4 (MANE Select); coding-DNA position 4414, C replaced by T.
Protein change: p.Gln1472Ter; replaces glutamine 1472 with a stop codon.
Molecular consequence: nonsense.
Genome position (GRCh38, 1-based): chr8:41,684,667, G>A on the plus strand (C>T on the coding strand, the complement: ANK1 is on the minus strand). VCF-style: chr8-41684667-G-A. GRCh37 (hg19) VCF-style: chr8-41542185-G-A.
Other names: c.4537C>T, p.Gln1513Ter (NM_001142446.2); c.4414C>T, p.Gln1472Ter (NM_020475.3, NM_020476.3, NM_020477.3); short protein forms Q1513*, Q1472*.
Identifiers: ClinVar variation 1393753 (VCV001393753.32), dbSNP rs1228535558, ClinGen allele CA371057225.

ClinVar aggregate classification (germline): Pathogenic. Review status: criteria provided, multiple submitters, no conflicts (2 of 4 stars). 2 submissions from 2 submitters: Pathogenic (2). Last evaluated 2022-03-01.

Conditions:
Hereditary spherocytosis type 1. Also called: Spherocytosis type 1; ANK1-Related Spherocytosis. Identifiers: Orphanet 822, MedGen C2674218, MONDO:0008447, OMIM 182900.

Submissions (2):

Jiangsu Institute of Hematology, the First Affiliated Hospital of Soochow University
Classification: Pathogenic for Hereditary spherocytosis type 1. Last evaluated: 2022-03-01. Review status: criteria provided, single submitter. Criteria: ACMG Guidelines, 2015. Collection method: research. Allele origin: inherited. Affected: yes.

Labcorp Genetics (formerly Invitae), Labcorp
Classification: Pathogenic. Last evaluated: 2021-08-24. Review status: criteria provided, single submitter. Criteria: Invitae Variant Classification Sherloc (09022015). Collection method: clinical testing. Allele origin: germline.
Comment: This sequence change creates a premature translational stop signal (p.Gln1472*) in the ANK1 gene. It is expected to result in an absent or disrupted protein product. Loss-of-function variants in ANK1 are known to be pathogenic (PMID: 8640229). For these reasons, this variant has been classified as Pathogenic. This premature translational stop signal has been observed in individual(s) with hereditary spherocytosis (PMID: 33014018). This variant is not present in population databases (ExAC no frequency).

Literature cited by the submitters: PubMed 8640229 (cited by Labcorp Genetics (formerly Invitae), Labcorp); PubMed 33014018 (cited by Labcorp Genetics (formerly Invitae), Labcorp).